The following is an entry in ClinVar:

NM_001130987.2(DYSF):c.2900_2906del (p.Ser966_Phe967insTer)

Gene: DYSF (dysferlin; plus strand). Cytogenetic location: 2p13.2.
Variant type: Deletion.
Coding change: c.2900_2906del on transcript NM_001130987.2 (MANE Select); coding-DNA positions 2900 to 2906, 7 bases deleted (TCGTGGA; older notation c.2900_2906delTCGTGGA).
Protein change: p.Ser966_Phe967insTer.
Molecular consequence: nonsense.
Genome position (GRCh38, 1-based): chr2:71,569,855-71,569,861, TCGTGGA deleted. VCF-style (leftmost placement, unchanged base first): chr2-71569854-TTCGTGGA-T. GRCh37 (hg19) VCF-style: chr2-71796984-TTCGTGGA-T.
Other names: c.2849_2855del, p.Ser949_Phe950insTer (NM_001130455.2, NM_001130983.2); c.2804_2810del, p.Ser934_Phe935insTer (NM_001130976.2, NM_001130977.2); c.2846_2852del, p.Ser948_Phe949insTer (NM_001130978.2, NM_003494.4); c.2939_2945del, p.Ser979_Phe980insTer (NM_001130979.2); c.2897_2903del, p.Ser965_Phe966insTer (NM_001130980.2, NM_001130981.2); c.2942_2948del, p.Ser980_Phe981insTer (NM_001130982.2); c.2807_2813del, p.Ser935_Phe936insTer (NM_001130984.2, NM_001130986.2); c.2900_2906del, p.Ser966_Phe967insTer (NM_001130985.2).
Identifiers: ClinVar variation 2719830 (VCV002719830.3), dbSNP rs2545814988, ClinGen allele CA2697548241.
Genomic context (GRCh38, chr2:71,569,854, plus strand): 5'-AGACTCTGACCAGCCCTCCTCCACAGTCTGCTCCATGACATGGACGCCGGTCACCTGAGC[TTCGTGGA>T]AGAGGTGTTTGAGAACCAGACCCGGCTTCCCGGAGGCCAGTGGATCTACATGAGTGACAA-3'

ClinVar aggregate classification (germline): Pathogenic (1 of 4 stars; one submission).

Conditions:
Neuromuscular disease caused by qualitative or quantitative defects of dysferlin. Also called: Dysferlinopathy; Qualitative or quantitative defects of dysferlin. Identifiers: Orphanet 207073, MedGen C2931687, MONDO:0016145.

Submission:

Labcorp Genetics (formerly Invitae), Labcorp
Classification: Pathogenic for Neuromuscular disease caused by qualitative or quantitative defects of dysferlin. Last evaluated: 2023-11-01. Review status: criteria provided, single submitter. Criteria: Invitae Variant Classification Sherloc (09022015). Collection method: clinical testing. Allele origin: germline.
Comment: This sequence change creates a premature translational stop signal (p.Phe949*) in the DYSF gene. It is expected to result in an absent or disrupted protein product. Loss-of-function variants in DYSF are known to be pathogenic (PMID: 17698709, 20301480). This variant is not present in population databases (gnomAD no frequency). This variant has not been reported in the literature in individuals affected with DYSF-related conditions. For these reasons, this variant has been classified as Pathogenic.

Literature cited by the submitters: PubMed 17698709; PubMed 20301480.